The following is an entry in ClinVar:

NM_001253697.2(ERBIN):c.2531C>T (p.Ser844Phe)

Gene: ERBIN (erbb2 interacting protein; plus strand). Cytogenetic location: 5q12.3.
Variant type: single nucleotide variant.
Coding change: c.2531C>T on transcript NM_001253697.2 (MANE Select); coding-DNA position 2531, C replaced by T.
Protein change: p.Ser844Phe; replaces serine 844 with phenylalanine.
Molecular consequence: missense variant.
Genome position (GRCh38, 1-based): chr5:66,053,849, C>T. VCF-style: chr5-66053849-C-T. GRCh37 (hg19) VCF-style: chr5-65349677-C-T.
Other names: c.2531C>T, p.Ser844Phe (NM_001006600.3, NM_001253698.2, NM_001253699.2 and 1 more transcripts); c.2519C>T, p.Ser840Phe (NM_001253701.2); short protein forms S840F, S844F.
Identifiers: ClinVar variation 3690032 (VCV003690032.2).
Genomic context (GRCh38, chr5:66,053,849, plus strand): 5'-GACATTCTGAGGAAACTTCCCAGTCTCCTAATAGGACTGAACCACATGACAGTGATTGTT[C>T]TGTTGACTTAGGTATTTCCAAAAGCACTGAAGATCTCTCCCCTCAGAAAAGTGGTCCAGT-3'
Protein context (NP_001240626.1, residues 834-854): NRTEPHDSDC[Ser844Phe]VDLGISKSTE

ClinVar aggregate classification (germline): Uncertain significance (1 of 4 stars; one submission).

gnomAD v4.1: 10 of 1,613,986 alleles (0.00062%); highest among the groups gnomAD compares: South Asian, 0.011%; no homozygotes.

Submission:

Labcorp Genetics (formerly Invitae), Labcorp
Classification: Uncertain significance. Last evaluated: 2024-10-07. Review status: criteria provided, single submitter. Criteria: Invitae Variant Classification Sherloc (09022015). Collection method: clinical testing. Allele origin: germline.
Comment: This sequence change replaces serine, which is neutral and polar, with phenylalanine, which is neutral and non-polar, at codon 844 of the ERBIN protein (p.Ser844Phe). This variant is present in population databases (rs776808091, gnomAD 0.01%). This variant has not been reported in the literature in individuals affected with ERBIN-related conditions. An algorithm developed to predict the effect of missense changes on protein structure and function (PolyPhen-2) suggests that this variant is likely to be tolerated. In summary, the available evidence is currently insufficient to determine the role of this variant in disease. Therefore, it has been classified as a Variant of Uncertain Significance.